The following is an entry in ClinVar:

NM_031206.7(LAS1L):c.1269C>T (p.Thr423=)

Gene: LAS1L (LAS1 like ribosome biogenesis factor; minus strand). Cytogenetic location: Xq12.
Variant type: single nucleotide variant.
Coding change: c.1269C>T on transcript NM_031206.7 (MANE Select); coding-DNA position 1269, C replaced by T.
Protein change: p.Thr423=; no amino-acid change (threonine 423 retained).
Molecular consequence: synonymous variant. On other transcripts: non-coding transcript variant (1).
Genome position (GRCh38, 1-based): chrX:65,524,087, G>A on the plus strand (C>T on the coding strand, the complement: LAS1L is on the minus strand). VCF-style: chrX-65524087-G-A. GRCh37 (hg19) VCF-style: chrX-64743967-G-A.
Other names: c.1218C>T, p.Thr406= (NM_001170649.2, NM_001375331.1, NM_001375333.1 and 2 more transcripts); c.1092C>T, p.Thr364= (NM_001170650.2); c.1269C>T, p.Thr423= (NM_001375328.1, NM_001375329.1, NM_001375330.1 and 2 more transcripts); c.312C>T, p.Thr104= (NM_001375332.1).
Identifiers: ClinVar variation 707371 (VCV000707371.28), dbSNP rs188766357, ClinGen allele CA10433948.
Genomic context (GRCh38, chrX:65,524,087, plus strand): 5'-GCCCTAGGGCTAGGGCTAGTCTCCCTCACCAGTCTTGGTGTTGGCCACGATCAGTTCAAC[G>A]GTCCATCTGAGGATGTAGGTAGGCCGGATCCCGCTGATCCCCAAGGCTGGCAGTTCAGAG-3'
Protein context (NP_112483.1, residues 413-433): GIRPTYILRW[Thr423=]VELIVANTKT

ClinVar aggregate classification (germline): Benign/Likely benign. Review status: criteria provided, multiple submitters, no conflicts (2 of 4 stars). 2 submissions from 2 submitters: Benign (1); Likely benign (1). Last evaluated 2024-10-15.

Conditions:
Wilson-Turner syndrome (WTS). Also called: INTELLECTUAL DEVELOPMENTAL DISORDER, X-LINKED, SYNDROMIC, WILSON-TURNER TYPE; MENTAL RETARDATION, X-LINKED, SYNDROMIC 6. Identifiers: Orphanet 3459, MedGen C1839736, MONDO:0010665, OMIM 309585.

Allele frequency attached by ClinVar (database versions not stated): gnomAD exomes 0.00004; gnomAD 0.00005 and 0.00007; ExAC 0.00006; TOPMed 0.00006; ESP Exome Variant Server 0.00009; 1000 Genomes Project 30x 0.00042; 1000 Genomes Project 0.00053.
gnomAD v4.1: 41 of 1,209,379 alleles (0.0034%); highest among the groups gnomAD compares: Middle Eastern, 0.046%; 1 homozygote.

Submissions (2):

Labcorp Genetics (formerly Invitae), Labcorp
Classification: Benign for Wilson-Turner syndrome. Last evaluated: 2024-10-15. Review status: criteria provided, single submitter. Criteria: Invitae Variant Classification Sherloc (09022015). Collection method: clinical testing. Allele origin: germline.

CeGaT Center for Human Genetics Tuebingen
Classification: Likely benign. Last evaluated: 2024-03-01. Review status: criteria provided, single submitter. Criteria: CeGaT Center For Human Genetics Tuebingen Variant Classification Criteria Version 2. Collection method: clinical testing. Allele origin: germline. Affected: yes. Observed: 1 variant allele.
Comment: LAS1L: BP4, BP7, BS2